The following is an entry in ClinVar:

NM_001365276.2(TNXB):c.1536C>G (p.Cys512Trp)

Gene: TNXB (tenascin XB; minus strand). Cytogenetic location: 6p21.33.
Variant type: single nucleotide variant.
Coding change: c.1536C>G on transcript NM_001365276.2 (MANE Select); coding-DNA position 1536, C replaced by G.
Protein change: p.Cys512Trp; replaces cysteine 512 with tryptophan.
Molecular consequence: missense variant.
Genome position (GRCh38, 1-based): chr6:32,096,317, G>C on the plus strand (C>G on the coding strand, the complement: TNXB is on the minus strand). VCF-style: chr6-32096317-G-C. GRCh37 (hg19) VCF-style: chr6-32064094-G-C.
Other names: c.1536C>G, p.Cys512Trp (NM_001428335.1, NM_019105.8); short protein forms C512W.
Identifiers: ClinVar variation 3809361 (VCV003809361.1).
Genomic context (GRCh38, chr6:32,096,317, plus strand): 5'-GCAGTCCCCGGGACAGCGACGGCTCCCACAGTCCTCACCGGTGAAGCCCGGGTTGCACAC[G>C]CAGCGGCCATCCACGCAGCGCCCGCGCCCGCGACAGTCGCCAGGACAGGCGCGCGTGCCG-3'
Protein context (NP_001352205.1, residues 502-522): RGRGRCVDGR[Cys512Trp]VCNPGFTGED

ClinVar aggregate classification (germline): Uncertain significance (1 of 4 stars; one submission).

Conditions:
Cardiovascular phenotype. Identifiers: MedGen CN230736.

gnomAD v4.1: 1 of 1,549,730 alleles (0.000065%); highest among the groups gnomAD compares: Non-Finnish European, 0.000087%; no homozygotes.

Submission:

Ambry Genetics
Classification: Uncertain significance for Cardiovascular phenotype. Last evaluated: 2025-02-15. Review status: criteria provided, single submitter. Criteria: Ambry Variant Classification Scheme 2023. Collection method: clinical testing. Allele origin: germline.
Comment: The p.C512W variant (also known as c.1536C>G), located in coding exon 2 of the TNXB gene, results from a C to G substitution at nucleotide position 1536. The cysteine at codon 512 is replaced by tryptophan, an amino acid with highly dissimilar properties. This amino acid position is conserved. In addition, this alteration is predicted to be deleterious by in silico analysis. Based on the available evidence, the clinical significance of this variant remains unclear.